The following is an entry in ClinVar:

ClinVar aggregate classification (germline): Uncertain significance. Review status: criteria provided, multiple submitters, no conflicts (2 of 4 stars). 3 submissions from 3 submitters: Uncertain significance (3). Last evaluated 2026-01-19.

Conditions:
Emery-Dreifuss muscular dystrophy 4, autosomal dominant (EDMD4). Also called: EMERY-DREIFUSS MUSCULAR DYSTROPHY 4 WITH VARIABLE FEATURES. Identifiers: Orphanet 261, MedGen C2751807, MONDO:0013071, OMIM 612998.
Autosomal recessive ataxia, Beauce type. Also called: SYNE1 Deficiency; Spinocerebellar ataxia, autosomal recessive 8; SYNE1-Related Autosomal Recessive Cerebellar Ataxia; ATAXIA, RECESSIVE, OF BEAUCE. Identifiers: Orphanet 88644, MedGen C1853116, MONDO:0012549, OMIM 610743.

Allele frequency attached by ClinVar (database versions not stated): ExAC 0.00001; gnomAD exomes 0.00002 and 0.00004; TOPMed 0.00002; gnomAD 0.00003.
gnomAD v4.1: 29 of 1,613,718 alleles (0.0018%); highest among the groups gnomAD compares: Admixed American, 0.02%; no homozygotes.

Submissions (3):

Labcorp Genetics (formerly Invitae), Labcorp
Classification: Uncertain significance for Emery-Dreifuss muscular dystrophy 4, autosomal dominant; Autosomal recessive ataxia, Beauce type. Last evaluated: 2026-01-19. Review status: criteria provided, single submitter. Criteria: Invitae Variant Classification Sherloc (09022015). Collection method: clinical testing. Allele origin: germline.
Comment: This sequence change replaces arginine, which is basic and polar, with histidine, which is basic and polar, at codon 7449 of the SYNE1 protein (p.Arg7449His). This variant is present in population databases (rs752057121, gnomAD 0.01%). This variant has not been reported in the literature in individuals affected with SYNE1-related conditions. ClinVar contains an entry for this variant (Variation ID: 392558). An algorithm developed to predict the effect of missense changes on protein structure and function outputs the following: PolyPhen-2: "Benign". The histidine amino acid residue is found in multiple mammalian species, which suggests that this missense change does not adversely affect protein function. In summary, the available evidence is currently insufficient to determine the role of this variant in disease. Therefore, it has been classified as a Variant of Uncertain Significance.

Revvity Omics, Revvity
Classification: Uncertain significance. Last evaluated: 2021-06-17. Review status: criteria provided, single submitter. Criteria: ACMG Guidelines, 2015. Collection method: clinical testing. Allele origin: germline.

GeneDx
Classification: Uncertain significance. Last evaluated: 2017-01-05. Review status: criteria provided, single submitter. Criteria: GeneDx Variant Classification (06012015). Collection method: clinical testing. Allele origin: germline. Affected: yes.
Comment: A variant of uncertain significance has been identified in the SYNE1 gene. The R7449H variant has not been published as a pathogenic variant, nor has it been reported as a benign variant to our knowledge. The R7449H variant is not observed at a significant frequency in large population cohorts (Lek et al., 2016; 1000 Genomes Consortium et al., 2015; Exome Variant Server). The R7449H variant is a conservative amino acid substitution, which is not likely to impact secondary protein structure as these residues share similar properties and this substitution occurs at a position that is not conserved. However, in silico analysis is inconsistent in its predictions as to whether or not the variant is damaging to the protein structure/function. Therefore, based on the currently available information, it is unclear whether this variant is a pathogenic variant or a rare benign variant.

NM_182961.4(SYNE1):c.22559G>A (p.Arg7520His)

Gene: SYNE1 (spectrin repeat containing nuclear envelope protein 1; minus strand). Cytogenetic location: 6q25.2.
Variant type: single nucleotide variant.
Coding change: c.22559G>A on transcript NM_182961.4 (MANE Select); coding-DNA position 22559, G replaced by A.
Protein change: p.Arg7520His; replaces arginine 7520 with histidine.
Molecular consequence: missense variant.
Genome position (GRCh38, 1-based): chr6:152,211,524, C>T on the plus strand (G>A on the coding strand, the complement: SYNE1 is on the minus strand). VCF-style: chr6-152211524-C-T. GRCh37 (hg19) VCF-style: chr6-152532659-C-T.
Other names: c.22346G>A, p.Arg7449His (NM_033071.5); short protein forms R7449H, R7520H.
Identifiers: ClinVar variation 392558 (VCV000392558.12), dbSNP rs752057121, ClinGen allele CA4053844.
Genomic context (GRCh38, chr6:152,211,524, plus strand): 5'-TTCTTTGTAATAATTTATCAAAGATCCTACCTGTCATCAACTTGACCTTGTTCTAGAAGA[C>T]GTTGCCCATCAATAATGATTGAGTGCAAAATCTGCTGACGACTGAACATCTCGGCTTGAA-3'
Protein context (NP_892006.3, residues 7510-7530): ILHSIIIDGQ[Arg7520His]LLEQGQVDDR